The following is an entry in ClinVar:

ClinVar aggregate classification (germline): Pathogenic/Likely pathogenic. Review status: criteria provided, multiple submitters, no conflicts (2 of 4 stars). 5 submissions from 5 submitters: Pathogenic (4); Likely pathogenic (1). Last evaluated 2026-08-20.

Conditions:
Hepatoencephalopathy due to combined oxidative phosphorylation defect type 1. Also called: HEPATOENCEPHALOPATHY, EARLY FATAL PROGRESSIVE. Identifiers: Orphanet 137681, MedGen C1836797, MONDO:0012191, OMIM 609060.
GFM1-related disorder. Also called: GFM1-related condition.

Allele frequency attached by ClinVar (database versions not stated): gnomAD exomes below 0.00001 and 0.00001; gnomAD 0.00002; TOPMed 0.00002.
gnomAD v4.1: 6 of 1,613,510 alleles (0.00037%); highest among the groups gnomAD compares: African/African-American, 0.004%; no homozygotes.

Submissions (5):

PreventionGenetics, part of Exact Sciences
Classification: Pathogenic for GFM1-related condition. Last evaluated: 2026-08-20. Review status: criteria provided, single submitter. Criteria: ACMG Guidelines, 2015. Collection method: clinical testing. Allele origin: germline.
Comment: The GFM1 c.1633C>T variant is predicted to result in premature protein termination (p.Arg545*). This variant has been reported in the compound heterozygous state with a second GFM1 variant in a pair of siblings with severe combined oxidative phosphorylation deficiency (reported as p.Arg526* in Su and Wang 2020. PubMed ID: 33093908). This variant is reported in 0.0033% of alleles in individuals of South Asian descent in gnomAD. Nonsense variants in GFM1 are expected to be pathogenic. This variant is interpreted as pathogenic.

Natera, Inc.
Classification: Pathogenic for Combined oxidative phosphorylation deficiency 1. Last evaluated: 2024-09-21. Review status: criteria provided, single submitter. Criteria: Natera Variant Classification Schema (03/2026). Collection method: clinical testing. Allele origin: germline.
Comment: The c.1576C>T variant in GFM1 is a nonsense variant predicted to introduce a stop codon at amino acid 526. This variant is expected to result in nonsense mediated decay, truncation, or a dysfunctional protein product. This variant is rare in the general population with a frequency below the threshold expected for the associated phenotype(s). This variant has been observed in one or more individuals affected with the associated recessive disease, as either homozygous or compound heterozygous with a second variant (PMID: 33093908). Additionally, this variant has been observed to segregate in affected family members (PMID: 33093908). Given the available evidence, this variant is classified as Pathogenic.

Fulgent Genetics
Classification: Likely pathogenic for Hepatoencephalopathy due to combined oxidative phosphorylation defect type 1. Last evaluated: 2024-03-07. Review status: criteria provided, single submitter. Criteria: ACMG Guidelines, 2015. Collection method: clinical testing. Allele origin: germline.

Baylor Genetics
Classification: Pathogenic for Hepatoencephalopathy due to combined oxidative phosphorylation defect type 1. Last evaluated: 2024-02-04. Review status: criteria provided, single submitter. Criteria: ACMG Guidelines, 2015. Collection method: clinical testing. Allele origin: unknown.

Labcorp Genetics (formerly Invitae), Labcorp
Classification: Pathogenic. Last evaluated: 2023-08-07. Review status: criteria provided, single submitter. Criteria: Invitae Variant Classification Sherloc (09022015). Collection method: clinical testing. Allele origin: germline.
Comment: This sequence change creates a premature translational stop signal (p.Arg526*) in the GFM1 gene. It is expected to result in an absent or disrupted protein product. Loss-of-function variants in GFM1 are known to be pathogenic (PMID: 16632485, 17160893). This variant is present in population databases (no rsID available, gnomAD 0.003%). This variant has not been reported in the literature in individuals affected with GFM1-related conditions. ClinVar contains an entry for this variant (Variation ID: 1069701). For these reasons, this variant has been classified as Pathogenic.

Literature cited by the submitters: PubMed 33093908 (cited by Natera, Inc.); PubMed 16632485 (cited by Labcorp Genetics (formerly Invitae), Labcorp); PubMed 17160893 (cited by Labcorp Genetics (formerly Invitae), Labcorp).

NM_024996.7(GFM1):c.1576C>T (p.Arg526Ter)

Gene: GFM1 (G elongation factor mitochondrial 1; plus strand). Cytogenetic location: 3q25.32.
Variant type: single nucleotide variant.
Coding change: c.1576C>T on transcript NM_024996.7 (MANE Select); coding-DNA position 1576, C replaced by T.
Protein change: p.Arg526Ter; replaces arginine 526 with a stop codon.
Molecular consequence: nonsense. On other transcripts: non-coding transcript variant (4).
Genome position (GRCh38, 1-based): chr3:158,666,361, C>T. VCF-style: chr3-158666361-C-T. GRCh37 (hg19) VCF-style: chr3-158384150-C-T.
Other names: c.1633C>T, p.Arg545Ter (NM_001308164.2); c.1576C>T, p.Arg526Ter (NM_001308166.2); c.1495C>T, p.Arg499Ter (NM_001374355.1); c.1459C>T, p.Arg487Ter (NM_001374356.1); c.1351C>T, p.Arg451Ter (NM_001374357.1); c.1117C>T, p.Arg373Ter (NM_001374358.1); c.1009C>T, p.Arg337Ter (NM_001374359.1, NM_001374360.1); c.892C>T, p.Arg298Ter (NM_001374361.1); and 2 more; short protein forms R298*, R337*, R373*, R451*, R487*, R499*, R526*, R545*.
Identifiers: ClinVar variation 1069701 (VCV001069701.13), dbSNP rs1004779078, ClinGen allele CA86513895.